The following is an entry in ClinVar:

NM_021020.5(LZTS1):c.1418AGGAGCTGC[3] (p.Leu478_Arg479insGlnGluLeu)

Gene: LZTS1 (leucine zipper tumor suppressor 1; minus strand). Cytogenetic location: 8p21.3.
Variant type: Microsatellite.
Coding change: c.1418AGGAGCTGC[3] on transcript NM_021020.5 (MANE Select); three copies in a row of the 9-base unit AGGAGCTGC starting at c.1418; the reference has two copies in a row; one copy, 9 bases duplicated.
Protein change: p.Leu478_Arg479insGlnGluLeu.
Molecular consequence: inframe insertion.
Genome position (GRCh38, 1-based): chr8:20,250,078-20,250,086, GCAGCTCCT duplicated on the plus strand (AGGAGCTGC on the coding strand, the reverse complement: LZTS1 is on the minus strand); duplicating any 9 consecutive bases within chr8:20,250,078-20,250,097 gives the same sequence; the position shown is the placement nearest the transcript's 3' end. VCF-style (leftmost placement, unchanged base first): chr8-20250077-C-CGCAGCTCCT. GRCh37 (hg19) VCF-style: chr8-20107588-C-CGCAGCTCCT.
Other names: c.1418AGGAGCTGC[3], p.Leu478_Arg479insGlnGluLeu (NM_001362884.2).
Identifiers: ClinVar variation 2973749 (VCV002973749.3), dbSNP rs753892528, ClinGen allele CA4657280.
Genomic context (GRCh38, chr8:20,250,077, plus strand): 5'-GCAGGGACGTCCTCGGGGAAGGTGGGCGGCCCCATGTCGCGGGCCAGGGCGGCCTGGGCC[C>CGCAGCTCCT]GCAGCTCCTGCAGCTCCTGCTCCAGCAGGTTCACCTTCTCCCGCAGCAGCTCCGCCTCGT-3'

ClinVar aggregate classification (germline): Uncertain significance (1 of 4 stars; one submission).

Submission:

Labcorp Genetics (formerly Invitae), Labcorp
Classification: Uncertain significance. Last evaluated: 2024-10-10. Review status: criteria provided, single submitter. Criteria: Invitae Variant Classification Sherloc (09022015). Collection method: clinical testing. Allele origin: germline.
Comment: This variant, c.1427_1435dup, results in the insertion of 3 amino acid(s) of the LZTS1 protein (p.Gln476_Leu478dup), but otherwise preserves the integrity of the reading frame. This variant is present in population databases (rs753892528, gnomAD 0.02%). This variant has not been reported in the literature in individuals affected with LZTS1-related conditions. Experimental studies and prediction algorithms are not available or were not evaluated, and the functional significance of this variant is currently unknown. In summary, the available evidence is currently insufficient to determine the role of this variant in disease. Therefore, it has been classified as a Variant of Uncertain Significance.